The following is an entry in ClinVar:

ClinVar aggregate classification (germline): Pathogenic. Review status: criteria provided, multiple submitters, no conflicts (2 of 4 stars). 13 submissions from 13 submitters: Pathogenic (13). Last evaluated 2026-07-23.

Conditions:
DICER1-related disorder. Also called: DICER1-related condition.
Rhabdomyosarcoma, embryonal, 2 (RMSE2). Identifiers: MedGen C1867234, MONDO:0859046, OMIM 180295.
Global developmental delay - lung cysts - overgrowth - Wilms tumor syndrome. Also called: GLOBAL DEVELOPMENTAL DELAY, LUNG CYSTS, OVERGROWTH, AND WILMS TUMOR; GLOW Syndrome. Identifiers: Orphanet 404476, MedGen C4748924, MONDO:0018445, OMIM 618272.
Pleuropulmonary blastoma (PPB). Identifiers: Orphanet 64742, MedGen C1266144, MONDO:0011014, OMIM 601200, HP:0100528.
Euthyroid goiter (MNG1). Also called: GOITER, NONTOXIC, WITH INTRATHYROIDAL CALCIFICATION; MULTINODULAR GOITER, ADOLESCENT; SIMPLE GOITER; Goiter, multinodular 1, with or without Sertoli-Leydig cell tumors. Identifiers: Orphanet 276399, MedGen C0302859, MONDO:0007681, OMIM 138800, HP:0009798.
DICER1-related tumor predisposition. Also called: DICER1 syndrome; DICER1-related pleuropulmonary blastoma cancer predisposition syndrome. Identifiers: Orphanet 284343, MedGen C3839822, MONDO:0100216.
Hereditary cancer-predisposing syndrome. Also called: Hereditary Cancer Syndrome; Tumor predisposition; Hereditary neoplastic syndrome; Neoplastic Syndromes, Hereditary. Identifiers: Orphanet 140162, MedGen C0027672, MeSH D009386, MONDO:0015356.

Allele frequency attached by ClinVar (database versions not stated): gnomAD exomes below 0.00001; ExAC 0.00001.
gnomAD v4.1: 1 of 1,613,438 alleles (0.000062%); highest among the groups gnomAD compares: South Asian, 0.0011%; no homozygotes.

Submissions (13):

Myriad Genetics, Inc.
Classification: Pathogenic for DICER1-related tumor predisposition. Last evaluated: 2026-07-23. Review status: criteria provided, single submitter. Criteria: Myriad Autosomal Dominant, Autosomal Recessive and X-Linked Classification Criteria (2023). Collection method: clinical testing. Allele origin: unknown.
Comment: This variant is considered pathogenic. This variant creates a termination codon and is predicted to result in premature protein truncation.

Labcorp Genetics (formerly Invitae), Labcorp
Classification: Pathogenic for DICER1-related tumor predisposition. Last evaluated: 2025-06-18. Review status: criteria provided, single submitter. Criteria: Invitae Variant Classification Sherloc (09022015). Collection method: clinical testing. Allele origin: germline.
Comment: This sequence change creates a premature translational stop signal (p.Arg656*) in the DICER1 gene. It is expected to result in an absent or disrupted protein product. Loss-of-function variants in DICER1 are known to be pathogenic (PMID: 19556464, 21266384). This variant is present in population databases (rs754081635, gnomAD 0.003%). This premature translational stop signal has been observed in individual(s) with DICER1-related conditions (PMID: 19556464, 21266384, 21882293). This variant is also known as c.2204C>T (Arg646X). ClinVar contains an entry for this variant (Variation ID: 254301). Algorithms developed to predict the effect of sequence changes on RNA splicing suggest that this variant may disrupt the consensus splice site. For these reasons, this variant has been classified as Pathogenic.

Ambry Genetics
Classification: Pathogenic for Hereditary cancer-predisposing syndrome. Last evaluated: 2025-03-31. Review status: criteria provided, single submitter. Criteria: Ambry Variant Classification Scheme 2023. Collection method: clinical testing. Allele origin: germline.
Comment: The p.R656* pathogenic mutation (also known as c.1966C>T), located in coding exon 11 of the DICER1 gene, results from a C to T substitution at nucleotide position 1966. This changes the amino acid from an arginine to a stop codon within coding exon 11. This alteration has been identified in multiple individuals with clinical features of DICER1 tumor predisposition, including diagnoses of pleuropulmonary blastoma, multinodular goiter, thyroid cancer, embryonal rhabdomyosarcoma, CNS embryonal tumors, and Sertoli-Leydig cell tumors, among others (Hill DA et al. Science. 2009 Aug;325:965; Slade I et al. J Med Genet 2011 Apr;48:273-8; Foulkes WD et al. Hum Mutat. 2011 Dec;32:1381-4; Mehraein Y et al. Cancer Let. 2016 Jan;370:275-8; Haq N et al. Med Res Arch. 2020 May;8:; Ambry internal data). This alteration is expected to result in loss of function by premature protein truncation or nonsense-mediated mRNA decay. As such, this alteration is interpreted as a disease-causing mutation.

KCCC/NGS Laboratory, Kuwait Cancer Control Center
Classification: Pathogenic for Pleuropulmonary blastoma. Last evaluated: 2025-01-20. Review status: criteria provided, single submitter. Criteria: ACMG Guidelines, 2015. Collection method: clinical testing. Allele origin: germline. Inheritance: Autosomal dominant inheritance. Affected: yes. Observed: 1 heterozygote.
Comment: This sequence change creates a premature translational stop signal (p.Arg656*) in the DICER1 gene. It is expected to result in an absent or disrupted protein product. Loss-of-function variants. This alteration has been identified in multiple individuals with clinical features of DICER1 tumor predisposition, including diagnoses of pleuropulmonary blastoma, multinodular goiter, thyroid cancer, embryonal rhabdomyosarcoma, CNS embryonal tumors, and Sertoli-Leydig cell tumors, among others (PMID: 19556464, 21266384, 24909177, 21882293,26577641,26475046 and 26925222). This variant is present in population databases (rs754081635, gnomAD 0.003%). This premature translational stop signal has been observed in individual(s) with DICER1- related conditions (PMID: 19556464, 21266384, 21882293). This variant is also known as c.2204C>T (Arg646X). ClinVar contains an entry for this variant (Variation ID: 254301). For these reasons, this variant has been classified as Pathogenic.Pathogenic varaints in DICER1 gene associated with Pleuropulmonary blastoma AD (#OMIM601200 )and Goiter, multinodular 1, with or without Sertoli-Leydig cell tumors AD (#OMIM138800 ).

Blueprint Genetics
Classification: Pathogenic for DICER1-related disorders. Last evaluated: 2024-06-14. Review status: criteria provided, single submitter. Criteria: ACMG Guidelines, 2015. Collection method: clinical testing. Allele origin: germline. Affected: yes. Observed: 1 variant allele.

Institute for Genomic Medicine (IGM) Clinical Laboratory, Nationwide Children's Hospital
Classification: Pathogenic for DICER1-related tumor predisposition. Last evaluated: 2023-03-27. Review status: criteria provided, single submitter. Criteria: ACMG Guidelines, 2015. Collection method: clinical testing. Allele origin: germline.
Comment: This variant is predicted to result in loss of function through nonsense-mediated decay of the encoded transcript or premature truncation of the encoded protein in a gene in which loss of function is a known mechanism of disease (ACMG/AMP: PVS1; PMIDs:26925222, 31342592). This variant has been reported at an elevated frequency in affected individuals/in multiple affected individuals in the literature (ACMG/AMP: PS4; PMIDs:19556464, 21266384, 21882293, 26577641). This variant is absent from or present at an exceedingly low frequency in gnomAD, a large-scale control population database (ACMG/AMP: PM2).

Genetics and Molecular Pathology, SA Pathology
Classification: Pathogenic for DICER1-related tumor predisposition. Last evaluated: 2022-07-12. Review status: criteria provided, single submitter. Criteria: ACMG Guidelines, 2015. Collection method: clinical testing. Allele origin: germline. Inheritance: Autosomal dominant inheritance. Affected: yes.

Sema4
Classification: Pathogenic for Hereditary cancer-predisposing syndrome. Last evaluated: 2022-01-12. Review status: criteria provided, single submitter. Criteria: Sema4 Curation Guidelines. Collection method: curation. Allele origin: germline.
Comment: The DICER1 c.1966C>T (p.R656X) variant has been reported in heterozygosity in at least 4 individuals with DICER1-related disease (PMID: 19556464, 21266384, 21882293). It is also known as c.2204C>T (p.R646X) in the literature. This nonsense variant creates a premature stop codon at residue 656 of the DICER1 protein. Loss of function variants in DICER1 are known to be pathogenic (PMID: 19556464, 21266384). This variant was observed in 1/30616 chromosomes in the South Asian population, according to the Genome Aggregation Database (PMID: 32461654). This variant has been reported in ClinVar (Variation ID: 254301). Based on the current evidence available, this variant is interpreted as pathogenic.

Fulgent Genetics
Classification: Pathogenic for Euthyroid goiter; Rhabdomyosarcoma, embryonal, 2; Pleuropulmonary blastoma; Global developmental delay - lung cysts - overgrowth - Wilms tumor syndrome. Last evaluated: 2021-11-29. Review status: criteria provided, single submitter. Criteria: ACMG Guidelines, 2015. Collection method: clinical testing. Allele origin: unknown.

Baylor Genetics
Classification: Pathogenic for Global developmental delay - lung cysts - overgrowth - Wilms tumor syndrome. Last evaluated: 2021-11-23. Review status: criteria provided, single submitter. Criteria: ACMG Guidelines, 2015. Collection method: clinical testing. Allele origin: unknown.

Foulkes Cancer Genetics LDI, Lady Davis Institute for Medical Research
Classification: Pathogenic for Pleuropulmonary blastoma. Last evaluated: 2019-07-01. Review status: criteria provided, single submitter. Criteria: ACMG Guidelines, 2015. Collection method: curation. Allele origin: germline, somatic. Affected: yes and no. Observed: 14 variant alleles.
Comment: ACMG criteria met: PVS1, PM2, PM7, PP4

PreventionGenetics, part of Exact Sciences
Classification: Pathogenic. Last evaluated: 2017-07-05. Review status: criteria provided, single submitter. Criteria: ACMG Guidelines, 2015. Collection method: clinical testing. Allele origin: germline.

International Pleuropulmonary Blastoma Registry, Children's Hospitals and Clinics of Minnesota
Classification: Pathogenic for Pleuropulmonary blastoma. Last evaluated: 2014-11-10. Review status: criteria provided, single submitter. Criteria: Hill et al. (Science. 2009). Collection method: clinical testing. Allele origin: germline. Affected: yes. Study: PPB-DICER1 Genetic study.

Literature cited by the submitters: PubMed 19556464 (cited by 5 submitters); PubMed 21266384 (cited by 5 submitters); PubMed 21882293 (cited by 5 submitters); PubMed 26577641 (cited by 3 submitters); PubMed 34291157 (cited by Ambry Genetics); PubMed 26925222 (cited by 3 submitters); PubMed 31342592 (cited by Institute for Genomic Medicine (IGM) Clinical Laboratory, Nationwide Children's Hospital); PubMed 24909177 (cited by Foulkes Cancer Genetics LDI, Lady Davis Institute for Medical Research); PubMed 26475046 (cited by Foulkes Cancer Genetics LDI, Lady Davis Institute for Medical Research).

NM_177438.3(DICER1):c.1966C>T (p.Arg656Ter)

Gene: DICER1 (dicer 1, ribonuclease III; minus strand). Cytogenetic location: 14q32.13.
Variant type: single nucleotide variant.
Coding change: c.1966C>T on transcript NM_177438.3 (MANE Select); coding-DNA position 1966, C replaced by T.
Protein change: p.Arg656Ter; replaces arginine 656 with a stop codon.
Molecular consequence: nonsense.
Genome position (GRCh38, 1-based): chr14:95,113,166, G>A on the plus strand (C>T on the coding strand, the complement: DICER1 is on the minus strand). VCF-style: chr14-95113166-G-A. GRCh37 (hg19) VCF-style: chr14-95579503-G-A.
Other names: c.1966C>T, p.Arg656Ter (NM_001195573.1, NM_001271282.3, NM_001291628.2 and 1 more transcripts); short protein forms R656*.
Identifiers: ClinVar variation 254301 (VCV000254301.30), dbSNP rs754081635, ClinGen allele CA7331353.
Genomic context (GRCh38, chr14:95,113,166, plus strand): 5'-GAAGAGGTGAGTTAATTGGCAGATAAAGAGTTGAATAAAATGTACCATCAGGCAACTCTC[G>A]GGTTCTGCATTTAGGAGCTAGATGAGTAAACGGATCACTTGGTAATCTAGCACAGTATCT-3'